The following is an entry in ClinVar:

NM_000337.6(SGCD):c.274A>G (p.Lys92Glu)

Gene: SGCD (sarcoglycan delta; plus strand). Cytogenetic location: 5q33.3.
Variant type: single nucleotide variant.
Coding change: c.274A>G on transcript NM_000337.6 (MANE Select); coding-DNA position 274, A replaced by G.
Protein change: p.Lys92Glu; replaces lysine 92 with glutamic acid.
Molecular consequence: missense variant.
Genome position (GRCh38, 1-based): chr5:156,508,682, A>G. VCF-style: chr5-156508682-A-G. GRCh37 (hg19) VCF-style: chr5-155935692-A-G.
Other names: c.271A>G, p.Lys91Glu (NM_001128209.2); c.274A>G, p.Lys92Glu (NM_172244.3); short protein forms K91E, K92E.
Identifiers: ClinVar variation 2448149 (VCV002448149.2), dbSNP rs1159364901, ClinGen allele CA362008095.

ClinVar aggregate classification (germline): Uncertain significance (1 of 4 stars; one submission).

Conditions:
Inborn genetic diseases. Identifiers: MedGen C0950123, MeSH D030342.

Allele frequency attached by ClinVar (database versions not stated): gnomAD 0.00001; TOPMed 0.00002.
gnomAD v4.1: 2 of 1,602,814 alleles (0.00012%); highest among the groups gnomAD compares: Admixed American, 0.0017%; no homozygotes.

Submission:

Ambry Genetics
Classification: Uncertain significance for Inborn genetic diseases. Last evaluated: 2023-01-14. Review status: criteria provided, single submitter. Criteria: Ambry Variant Classification Scheme 2023. Collection method: clinical testing. Allele origin: germline.
Comment: The p.K92E variant (also known as c.274A>G), located in coding exon 3 of the SGCD gene, results from an A to G substitution at nucleotide position 274. The lysine at codon 92 is replaced by glutamic acid, an amino acid with similar properties. This amino acid position is conserved. In addition, this alteration is predicted to be deleterious by in silico analysis. Since supporting evidence is limited at this time, the clinical significance of this alteration remains unclear.